The following is an entry in ClinVar:

NM_014915.3(ANKRD26):c.3943C>G (p.Leu1315Val)

Gene: ANKRD26 (ankyrin repeat domain containing 26; minus strand). Cytogenetic location: 10p12.1.
Variant type: single nucleotide variant.
Coding change: c.3943C>G on transcript NM_014915.3 (MANE Select); coding-DNA position 3943, C replaced by G.
Protein change: p.Leu1315Val; replaces leucine 1315 with valine.
Molecular consequence: missense variant.
Genome position (GRCh38, 1-based): chr10:27,028,881, G>C on the plus strand (C>G on the coding strand, the complement: ANKRD26 is on the minus strand). VCF-style: chr10-27028881-G-C. GRCh37 (hg19) VCF-style: chr10-27317810-G-C.
Other names: c.3940C>G, p.Leu1314Val (NM_001256053.2); short protein forms L1314V, L1315V.
Identifiers: ClinVar variation 3396920 (VCV003396920.1).

ClinVar aggregate classification (germline): Uncertain significance (1 of 4 stars; one submission).

Conditions:
Inborn genetic diseases. Identifiers: MedGen C0950123, MeSH D030342.

Submission:

Ambry Genetics
Classification: Uncertain significance for Inborn genetic diseases. Last evaluated: 2024-11-28. Review status: criteria provided, single submitter. Criteria: Ambry Variant Classification Scheme 2023. Collection method: clinical testing. Allele origin: germline.
Comment: The p.L1315V variant (also known as c.3943C>G), located in coding exon 27 of the ANKRD26 gene, results from a C to G substitution at nucleotide position 3943. The leucine at codon 1315 is replaced by valine, an amino acid with highly similar properties. This amino acid position is conserved. In addition, this alteration is predicted to be tolerated by in silico analysis. Based on the available evidence, the clinical significance of this variant remains unclear.